The following is an entry in ClinVar:

NM_003242.6(TGFBR2):c.94+16236G>A

Gene: TGFBR2 (transforming growth factor beta receptor 2; plus strand). Cytogenetic location: 3p24.1.
Variant type: single nucleotide variant.
Coding change: c.94+16236G>A on transcript NM_003242.6 (MANE Select); 16236 bases into the intron after coding-DNA position 94, G replaced by A.
Molecular consequence: intron variant. On other transcripts: missense variant (5).
Genome position (GRCh38, 1-based): chr3:30,623,213, G>A. VCF-style: chr3-30623213-G-A. GRCh37 (hg19) VCF-style: chr3-30664705-G-A.
Other names: c.109G>A, p.Ala37Thr (NM_001024847.3, NM_001407126.1, NM_001407137.1 and 1 more transcripts); c.61G>A, p.Ala21Thr (NM_001407128.1); c.-175G>A (NM_001407133.1); c.-185G>A (NM_001407136.1); short protein forms A37T, A21T.
Identifiers: ClinVar variation 702620 (VCV000702620.8), dbSNP rs1409106424, ClinGen allele CA351830699.

ClinVar aggregate classification (germline): Conflicting classifications of pathogenicity. Review status: criteria provided, conflicting classifications (1 of 4 stars). 3 submissions from 3 submitters: Uncertain significance (1); Likely benign (2). Last evaluated 2026-04-15.

Conditions:
Diabetic retinopathy. Identifiers: MedGen C0011884, MONDO:0005266.
Familial thoracic aortic aneurysm and aortic dissection (TAAD). Also called: Thoracic aortic aneurysms and dissections. Identifiers: Orphanet 91387, MedGen C4707243, MONDO:0019625.

Allele frequency attached by ClinVar (database versions not stated): TOPMed below 0.00001.

Submissions (3):

GeneDx
Classification: Uncertain significance. Last evaluated: 2026-04-15. Review status: criteria provided, single submitter. Criteria: GeneDx Variant Classification Process June 2021. Collection method: clinical testing. Allele origin: germline.
Comment: Has not been previously published as pathogenic or benign to our knowledge; Not observed at significant frequency in large population cohorts (gnomAD); In silico analysis suggests that this missense variant does not alter protein structure/function; In silico analysis is inconclusive as to whether the variant alters gene splicing. In the absence of RNA/functional studies, the actual effect of this sequence change is unknown.; Reported using an alternate transcript of the gene; This variant is associated with the following publications: (PMID: 28162229, 34572573, 30222965)

Labcorp Genetics (formerly Invitae), Labcorp
Classification: Likely benign for Familial thoracic aortic aneurysm and aortic dissection. Last evaluated: 2017-12-05. Review status: criteria provided, single submitter. Criteria: Invitae Variant Classification Sherloc (09022015). Collection method: clinical testing. Allele origin: germline.

Clinical Genomics, Uppaluri K&H Personalized Medicine Clinic
Classification: Likely benign for Diabetic retinopathy. Review status: criteria provided, single submitter. Criteria: K And H Uppaluri Personalized Medicine Clinic Variant Classification And Assertion Criteria Updated V 2. Collection method: research. Allele origin: unknown.
Comment: Potent mutations in TGFBR2 gene encodes the transforming growth factor that have been associated with angiogenesis and diabetic retinopathy. More clinical studies are needed for stronger association. However, more evidence is required to confer the association of this particular variant rs1409106424 with diabetic retinopathy.

Literature cited by the submitters: PubMed 30222965 (cited by Clinical Genomics, Uppaluri K&H Personalized Medicine Clinic); PubMed 28162229 (cited by Clinical Genomics, Uppaluri K&H Personalized Medicine Clinic); PubMed 34572573 (cited by Clinical Genomics, Uppaluri K&H Personalized Medicine Clinic).